The following is an entry in ClinVar:

ClinVar aggregate classification (germline): Uncertain significance. Review status: criteria provided, multiple submitters, no conflicts (2 of 4 stars). 2 submissions from 2 submitters: Uncertain significance (2). Last evaluated 2022-05-10.

Allele frequency attached by ClinVar (database versions not stated): gnomAD exomes below 0.00001.
gnomAD v4.1: 1 of 1,614,058 alleles (0.000062%); highest among the groups gnomAD compares: Non-Finnish European, 0.000085%; no homozygotes.

Submissions (2):

GeneDx
Classification: Uncertain significance. Last evaluated: 2022-05-10. Review status: criteria provided, single submitter. Criteria: GeneDx Variant Classification Process June 2021. Collection method: clinical testing. Allele origin: germline. Affected: yes.
Comment: Not observed at significant frequency in large population cohorts (gnomAD); In silico analysis supports that this missense variant does not alter protein structure/function; Has not been previously published as pathogenic or benign to our knowledge

CeGaT Center for Human Genetics Tuebingen
Classification: Uncertain significance. Last evaluated: 2022-02-01. Review status: criteria provided, single submitter. Criteria: CeGaT Center For Human Genetics Tuebingen Variant Classification Criteria Version 2. Collection method: clinical testing. Allele origin: germline. Affected: yes. Observed: 1 variant allele.

NM_003076.5(SMARCD1):c.550A>G (p.Ile184Val)

Gene: SMARCD1 (SWI/SNF related BAF chromatin remodeling complex subunit D1; plus strand). Cytogenetic location: 12q13.12.
Variant type: single nucleotide variant.
Coding change: c.550A>G on transcript NM_003076.5 (MANE Select); coding-DNA position 550, A replaced by G.
Protein change: p.Ile184Val; replaces isoleucine 184 with valine.
Molecular consequence: missense variant.
Genome position (GRCh38, 1-based): chr12:50,087,381, A>G. VCF-style: chr12-50087381-A-G. GRCh37 (hg19) VCF-style: chr12-50481164-A-G.
Other names: c.550A>G, p.Ile184Val (NM_139071.3); short protein forms I184V.
Identifiers: ClinVar variation 1675495 (VCV001675495.34), dbSNP rs2137874976, ClinGen allele CA384787195.
Genomic context (GRCh38, chr12:50,087,381, plus strand): 5'-CCACTGAAGCCCCACGATCAATCCTGTTTCTGCCTTCCTCAGCAAAAACGGAAGCTGCGA[A>G]TTTTCATTTCTAACACTTTCAATCCGGCTAAGTCAGATGCCGAGGATGGGGAAGGGACGG-3'
Protein context (NP_003067.3, residues 174-194): RPIKQKRKLR[Ile184Val]FISNTFNPAK